The following is an entry in ClinVar:

ClinVar aggregate classification (germline): Uncertain significance. Review status: criteria provided, multiple submitters, no conflicts (2 of 4 stars). 6 submissions from 6 submitters: Uncertain significance (6). Last evaluated 2025-04-06.

Conditions:
Hereditary nonpolyposis colorectal neoplasms. Identifiers: MedGen C0009405, MeSH D003123.
Hereditary cancer-predisposing syndrome. Also called: Hereditary Cancer Syndrome; Neoplastic Syndromes, Hereditary; Tumor predisposition; Hereditary neoplastic syndrome. Identifiers: Orphanet 140162, MedGen C0027672, MeSH D009386, MONDO:0015356.
Lynch syndrome 5 (LYNCH5). Also called: Colorectal cancer, hereditary nonpolyposis, type 5; Hereditary non-polyposis colorectal cancer, type 5. Identifiers: Orphanet 144, MedGen C1833477, MONDO:0013710, OMIM 614350. Disease mechanism: loss of function.

Allele frequency attached by ClinVar (database versions not stated): TOPMed below 0.00001; gnomAD 0.00001.
gnomAD v4.1: 2 of 1,614,048 alleles (0.00012%); highest among the groups gnomAD compares: African/African-American, 0.0013%; no homozygotes.

Submissions (6):

Molecular Diagnostics Laboratory, Catalan Institute of Oncology
Classification: Uncertain significance for Hereditary cancer-predisposing syndrome. Last evaluated: 2025-04-06. Review status: criteria provided, single submitter. Criteria: ClinGen CRC ACMG Specifications MSH6 V1.0.0. Collection method: clinical testing. Allele origin: germline.
Comment: PM2_Supporting, BP4 c.556G>A, located in exon 3 of the MSH6 gene, is predicted to result in the substitution of Asp by Asn at codon 186, p.(Asp186Asn). This variant is found in 2/1614048, at a frequency of 0.0001% in the gnomAD v4 database (PM2_supporting). Computational tools for this variant suggests no significant impact on splicing and does not affect the protein function (MAPP+PolyPhen-2 prior probability for pathogenicity: 0.0008) (BP4). To our knowledge, neither individuals with Lynch syndrome-related conditions nor functional studies have been reported in the literature for this variant. There are no reports of pathogenic missense variants in the same codon. In addition, this variant has been reported in the ClinVar database (5x uncertain significance) but it has not been reported neither in LOVD nor InSiGHT databases. Based on currently available information, the variant c.556G>A should be considered an uncertain significance variant.

KCCC/NGS Laboratory, Kuwait Cancer Control Center
Classification: Uncertain significance for Lynch syndrome 5. Last evaluated: 2024-11-03. Review status: criteria provided, single submitter. Criteria: ACMG Guidelines, 2015. Collection method: clinical testing. Allele origin: germline. Inheritance: Autosomal dominant inheritance. Affected: yes. Observed: 1 heterozygote.
Comment: This sequence change replaces aspartic acid, which is acidic and polar, with asparagine, which is neutral and polar, at codon 186 of the MSH6 protein (p.Asp186Asn). This amino acid position is not well conserved. This variant is not present in population databases (gnomAD no frequency). This variant has not been reported in the literature in individuals affected with MSH6-related conditions. ClinVar contains an entry for this variant (Variation ID: 479889).In silico analysis supports that this missense variant does not alter protein structure/function. In summary, the available evidence is currently insufficient to determine the role of this variant in disease. Therefore, it has been classified as a Variant of Uncertain Significance. pathogenic/likely pathogenic variants in the MSH6 gene cause hereditary nonpolyposis colorectal cancer syndrome (OMIM 614350).

Color Diagnostics, LLC DBA Color Health
Classification: Uncertain significance for Hereditary cancer-predisposing syndrome. Last evaluated: 2024-03-06. Review status: criteria provided, single submitter. Criteria: ACMG Guidelines, 2015. Collection method: clinical testing. Allele origin: germline.
Comment: This missense variant replaces aspartic acid with asparagine at codon 186 of the MSH6 protein. Computational prediction suggests that this variant may not impact protein structure and function (internally defined REVEL score threshold <= 0.5, PMID: 27666373). To our knowledge, functional studies have not been reported for this variant. This variant has not been reported in individuals affected with MSH6-related disorders in the literature. This variant has not been identified in the general population by the Genome Aggregation Database (gnomAD). The available evidence is insufficient to determine the role of this variant in disease conclusively. Therefore, this variant is classified as a Variant of Uncertain Significance.

GeneDx
Classification: Uncertain significance. Last evaluated: 2023-06-28. Review status: criteria provided, single submitter. Criteria: GeneDx Variant Classification Process June 2021. Collection method: clinical testing. Allele origin: germline. Affected: yes.
Comment: Not observed at significant frequency in large population cohorts (gnomAD); In silico analysis supports that this missense variant does not alter protein structure/function; Has not been previously published as pathogenic or benign to our knowledge

Labcorp Genetics (formerly Invitae), Labcorp
Classification: Uncertain significance for Hereditary nonpolyposis colorectal neoplasms. Last evaluated: 2023-02-03. Review status: criteria provided, single submitter. Criteria: Invitae Variant Classification Sherloc (09022015). Collection method: clinical testing. Allele origin: germline.
Comment: In summary, the available evidence is currently insufficient to determine the role of this variant in disease. Therefore, it has been classified as a Variant of Uncertain Significance. Advanced modeling of protein sequence and biophysical properties (such as structural, functional, and spatial information, amino acid conservation, physicochemical variation, residue mobility, and thermodynamic stability) performed at Invitae indicates that this missense variant is not expected to disrupt MSH6 protein function. ClinVar contains an entry for this variant (Variation ID: 479889). This variant has not been reported in the literature in individuals affected with MSH6-related conditions. This variant is not present in population databases (gnomAD no frequency). This sequence change replaces aspartic acid, which is acidic and polar, with asparagine, which is neutral and polar, at codon 186 of the MSH6 protein (p.Asp186Asn).

Ambry Genetics
Classification: Uncertain significance for Hereditary cancer-predisposing syndrome. Last evaluated: 2018-08-30. Review status: criteria provided, single submitter. Criteria: Ambry Variant Classification Scheme 2023. Collection method: clinical testing. Allele origin: germline.
Comment: The p.D186N variant (also known as c.556G>A), located in coding exon 3 of the MSH6 gene, results from a G to A substitution at nucleotide position 556. The aspartic acid at codon 186 is replaced by asparagine, an amino acid with highly similar properties. This amino acid position is not well conserved in available vertebrate species. In addition, this alteration is predicted to be tolerated by in silico analysis. In addition, the CoDP in silico tool predicts this alteration to have a minor impact on molecular function, with a score of 0.000 (Terui H et al. J. Biomed. Sci. 2013;20:25). Since supporting evidence is limited at this time, the clinical significance of this alteration remains unclear.

NM_000179.3(MSH6):c.556G>A (p.Asp186Asn)

Gene: MSH6 (mutS homolog 6; plus strand). Cytogenetic location: 2p16.3.
Variant type: single nucleotide variant.
Coding change: c.556G>A on transcript NM_000179.3 (MANE Select); coding-DNA position 556, G replaced by A.
Protein change: p.Asp186Asn; replaces aspartic acid 186 with asparagine.
Molecular consequence: missense variant. On other transcripts: 5 prime UTR variant (1), intron variant (2).
Genome position (GRCh38, 1-based): chr2:47,795,992, G>A. VCF-style: chr2-47795992-G-A. GRCh37 (hg19) VCF-style: chr2-48023131-G-A.
Other names: c.-347G>A (NM_001281494.2); c.-279-2619G>A (NM_001281493.2); c.238-2619G>A (NM_001281492.2); short protein forms D186N.
Identifiers: ClinVar variation 479889 (VCV000479889.18), dbSNP rs1212607928, ClinGen allele CA346738760.